The following is an entry in ClinVar:

NM_001377275.1(PER3):c.2022G>A (p.Ser674=)

Genes: PER3 (period circadian regulator 3; plus strand), LOC126805604 (CDK7 strongly-dependent group 2 enhancer GRCh37_chr1:7886590-7887789; plus strand). Cytogenetic location: 1p36.23.
Variant type: single nucleotide variant.
Coding change: c.2022G>A on transcript NM_001377275.1 (MANE Select); coding-DNA position 2022, G replaced by A.
Protein change: p.Ser674=; no amino-acid change (serine 674 retained).
Molecular consequence: synonymous variant.
Genome position (GRCh38, 1-based): chr1:7,826,544, G>A. VCF-style: chr1-7826544-G-A. GRCh37 (hg19) VCF-style: chr1-7886604-G-A.
Other names: c.2022G>A, p.Ser674= (NM_001289861.2, NM_001289862.2, NM_001438697.1 and 2 more transcripts); c.2001G>A, p.Ser667= (NM_001289863.3, NM_001377276.1, NM_001438700.1 and 2 more transcripts); c.1065G>A, p.Ser355= (NM_001289864.3); c.2019G>A, p.Ser673= (NM_001438696.1, NM_001438698.1); c.1998G>A, p.Ser666= (NM_001438705.1, NM_001438706.1, NM_016831.4).
Identifiers: ClinVar variation 4989823 (VCV004989823.1).

ClinVar aggregate classification (germline): Likely benign (1 of 4 stars; one submission).

Conditions:
PER3-related disorder. Also called: PER3-related condition.

gnomAD v4.1: 74 of 1,613,974 alleles (0.0046%); highest among the groups gnomAD compares: African/African-American, 0.008%; no homozygotes.

Submission:

PreventionGenetics, part of Exact Sciences
Classification: Likely benign for PER3-related condition. Last evaluated: 2025-03-18. Review status: criteria provided, single submitter. Criteria: ACMG Guidelines, 2015. Collection method: clinical testing. Allele origin: germline.
Comment: This variant is classified as likely benign based on ACMG/AMP sequence variant interpretation guidelines (Richards et al. 2015 PMID: 25741868, with internal and published modifications).